The following is an entry in ClinVar:

ClinVar aggregate classification (germline): Pathogenic (1 of 4 stars; one submission).

Submission:

Quest Diagnostics Nichols Institute San Juan Capistrano
Classification: Pathogenic. Last evaluated: 2023-12-28. Review status: criteria provided, single submitter. Criteria: ACMG/ClinGen CNV Guidelines, 2019. Collection method: clinical testing. Allele origin: unknown.
Comment: This copy number loss is consistent with the proximal 16p12.2 recurrent region (ISCA-37409; frequently referred to as 16p12.1 deletion in the literature, see OMIM 136570) is associated with susceptibility to various neurodevelopmental and neuropsychiatric phenotypes (Girirajan 2018, Redaelli 2019). Thus, based on current medical literature, this copy number variant (CNV) may be best described as a susceptibility locus and is classified as pathogenic. References: Girirajan et al., GeneReviews 2018 Sep 13. PMID: 25719193; Redaelli et al., Int J Mol Sci. 2019 Mar 4;20(5):1095. PMID: 30836599

GRCh37/hg19 16p12.2(chr16:21817921-22710614)x1

Genes: POLR3E (RNA polymerase III subunit E), CDR2 (cerebellar degeneration related protein 2), EEF2K (eukaryotic elongation factor 2 kinase), MOSMO (modulator of smoothened), NPIPB4 (nuclear pore complex interacting protein family member B4) and 5 more. Cytogenetic location: 16p12.2.
Variant type: copy number loss.
Change: copy number 1 (one copy instead of two) of chr16:21,817,921-22,710,614 (892.7 kb, GRCh37 coordinates, 1-based), cytogenetic band 16p12.2.
Identifiers: ClinVar variation 564302 (VCV000564302.3).